The following is an entry in ClinVar:

ClinVar aggregate classification (germline): Benign/Likely benign. Review status: criteria provided, multiple submitters, no conflicts (2 of 4 stars). 6 submissions from 6 submitters: Benign (1); Likely benign (3). 2 of the submissions do not count toward it. Last evaluated 2026-01-04.

Conditions:
Cardiovascular phenotype. Identifiers: MedGen CN230736.
APOLIPOPROTEIN C-II (SAN FRANCISCO).
Familial apolipoprotein C-II deficiency. Also called: APOC2 DEFICIENCY; C-II ANAPOLIPOPROTEINEMIA; HYPERLIPOPROTEINEMIA, TYPE IB. Identifiers: Orphanet 309020, Orphanet 444490, MedGen C1720779, MONDO:0008810, OMIM 207750.

Allele frequency attached by ClinVar (database versions not stated): gnomAD exomes 0.00048; ExAC 0.00059; 1000 Genomes Project 0.00120; 1000 Genomes Project 30x 0.00156; gnomAD 0.00206 and 0.00229; TOPMed 0.00227.
gnomAD v4.1: 577 of 1,613,886 alleles (0.036%); highest among the groups gnomAD compares: African/African-American, 0.68%; 1 homozygote.

Submissions (6):

Labcorp Genetics (formerly Invitae), Labcorp
Classification: Benign. Last evaluated: 2026-01-04. Review status: criteria provided, single submitter. Criteria: Invitae Variant Classification Sherloc (09022015). Collection method: clinical testing. Allele origin: germline.

Blueprint Genetics
Classification: Likely benign. Last evaluated: 2024-06-19. Review status: criteria provided, single submitter. Criteria: ACMG Guidelines, 2015. Collection method: clinical testing. Allele origin: germline.

GeneDx
Classification: Likely benign. Last evaluated: 2019-07-18. Review status: criteria provided, single submitter. Criteria: GeneDx Variant Classification Process June 2021. Collection method: clinical testing. Allele origin: germline. Affected: yes.
Comment: This variant is associated with the following publications: (PMID: 8490626, 31589614, 29100061)

Ambry Genetics
Classification: Likely benign for Cardiovascular phenotype. Last evaluated: 2019-07-05. Review status: criteria provided, single submitter. Criteria: Ambry Variant Classification Scheme 2023. Collection method: clinical testing. Allele origin: germline.

Reproductive Health Research and Development, BGI Genomics
Classification: Uncertain significance for Hyperlipoproteinemia, type Ib. Last evaluated: 2020-01-06. Review status: no assertion criteria provided. Collection method: curation. Allele origin: germline. Not counted in ClinVar's aggregate classification.
Comment: NM_000483.4:c.178G>A in the APOC2 gene has an allele frequency of 0.007 in African subpopulation in the gnomAD database. The p.Glu60Lys (NM_000483.4:c.178G>A) was reported as Glu38Lys andd apoc-IIsf in a paper published in 1993 (PMID: 8490626), which is verified by NCBI staff. This variant has been reported in patients with hyperlipidemic. However, functional studies showed no change in enzyme activity to activate lipoprotein lipase; and apoc-IIsf had no difference in the activation energy of the enzyme compared to the normal apoc-II (PubMed: 8490626). Taken together, we interprete this variant as variant of uncertain significance (VUS). ACMG/AMP Criteria applied: BS3; PP4.

OMIM
Classification: Pathogenic for APOLIPOPROTEIN C-II (SAN FRANCISCO). Last evaluated: 1993-01-01. Review status: no assertion criteria provided. Collection method: literature only. Allele origin: germline. Not counted in ClinVar's aggregate classification.

Literature cited by the submitters: PubMed 8490626 (cited by Ambry Genetics and OMIM).

NM_000483.5(APOC2):c.178G>A (p.Glu60Lys)

Genes: APOC2 (apolipoprotein C2; plus strand), APOC4-APOC2 (APOC4-APOC2 readthrough (NMD candidate); plus strand). Cytogenetic location: 19q13.32.
Variant type: single nucleotide variant.
Coding change: c.178G>A on transcript NM_000483.5 (MANE Select); coding-DNA position 178, G replaced by A.
Protein change: p.Glu60Lys; replaces glutamic acid 60 with lysine.
Molecular consequence: missense variant. On other transcripts: non-coding transcript variant (1).
Genome position (GRCh38, 1-based): chr19:44,948,823, G>A. VCF-style: chr19-44948823-G-A. GRCh37 (hg19) VCF-style: chr19-45452080-G-A.
Other names: APOC2, GLU38LYS; short protein forms E60K.
Identifiers: ClinVar variation 2582 (VCV000002582.16), dbSNP rs5122, ClinGen allele CA115623.